The following is an entry in ClinVar:

ClinVar aggregate classification (germline): Uncertain significance. Review status: criteria provided, single submitter (1 of 4 stars). 2 submissions from 2 submitters: Uncertain significance (1). 1 of the submissions does not count toward it. Last evaluated 2022-02-10.

Conditions:
Leber congenital amaurosis (LCA). Also called: Leber's amaurosis. Identifiers: Orphanet 65, MedGen C0339527, MeSH D057130, MONDO:0018998.
Nephronophthisis. Also called: Juvenile Nephronophthisis. Identifiers: Orphanet 655, MedGen C0687120, MONDO:0019005, HP:0000090.
Meckel-Gruber syndrome. Also called: DYSENCEPHALIA SPLANCHNOCYSTICA; GRUBER SYNDROME; Dysencephalia splachnocystica. Identifiers: Orphanet 564, MedGen C0265215, MONDO:0018921.
Joubert syndrome. Also called: CEREBELLOPARENCHYMAL DISORDER IV; JOUBERT-BOLTSHAUSER SYNDROME; Familial aplasia of the vermis. Identifiers: Orphanet 475, MedGen C5979921, MONDO:0018772.

Allele frequency attached by ClinVar (database versions not stated): gnomAD exomes below 0.00001.
gnomAD v4.1: 3 of 1,503,462 alleles (0.0002%); highest among the groups gnomAD compares: African/African-American, 0.0014%; no homozygotes.

Submissions (2):

Labcorp Genetics (formerly Invitae), Labcorp
Classification: Uncertain significance for Joubert syndrome; Meckel-Gruber syndrome; Nephronophthisis. Last evaluated: 2022-02-10. Review status: criteria provided, single submitter. Criteria: Invitae Variant Classification Sherloc (09022015). Collection method: clinical testing. Allele origin: germline.
Comment: This sequence change falls in intron 30 of the CEP290 gene. It does not directly change the encoded amino acid sequence of the CEP290 protein. It affects a nucleotide within the consensus splice site. In summary, the available evidence is currently insufficient to determine the role of this variant in disease. Therefore, it has been classified as a Variant of Uncertain Significance. Variants that disrupt the consensus splice site are a relatively common cause of aberrant splicing (PMID: 17576681, 9536098). Algorithms developed to predict the effect of sequence changes on RNA splicing suggest that this variant may disrupt the consensus splice site. This variant has not been reported in the literature in individuals affected with CEP290-related conditions. This variant is not present in population databases (gnomAD no frequency).

Natera, Inc.
Classification: Uncertain significance for Leber congenital amaurosis. Last evaluated: 2025-05-22. Review status: no assertion criteria provided. Collection method: clinical testing. Allele origin: germline. Not counted in ClinVar's aggregate classification.

Literature cited by the submitters: PubMed 17576681 (cited by Labcorp Genetics (formerly Invitae), Labcorp); PubMed 9536098 (cited by Labcorp Genetics (formerly Invitae), Labcorp).

NM_025114.4(CEP290):c.3573+5G>A

Gene: CEP290 (centrosomal protein 290; minus strand). Cytogenetic location: 12q21.32.
Variant type: single nucleotide variant.
Coding change: c.3573+5G>A on transcript NM_025114.4 (MANE Select); 5 bases into the intron after coding-DNA position 3573, G replaced by A.
Molecular consequence: intron variant.
Genome position (GRCh38, 1-based): chr12:88,090,723, C>T on the plus strand (G>A on the coding strand, the complement: CEP290 is on the minus strand). VCF-style: chr12-88090723-C-T. GRCh37 (hg19) VCF-style: chr12-88484500-C-T.
Other names: c.3573+5G>A (NM_025114.3).
Identifiers: ClinVar variation 1506900 (VCV001506900.7), dbSNP rs974204266, ClinGen allele CA2573149023.